The following is an entry in ClinVar:

NM_024675.4(PALB2):c.2018A>G (p.Glu673Gly)

Gene: PALB2 (partner and localizer of BRCA2; minus strand). Cytogenetic location: 16p12.2.
Variant type: single nucleotide variant.
Coding change: c.2018A>G on transcript NM_024675.4 (MANE Select); coding-DNA position 2018, A replaced by G.
Protein change: p.Glu673Gly; replaces glutamic acid 673 with glycine.
Molecular consequence: missense variant. On other transcripts: intron variant (1).
Genome position (GRCh38, 1-based): chr16:23,630,136, T>C on the plus strand (A>G on the coding strand, the complement: PALB2 is on the minus strand). VCF-style: chr16-23630136-T-C. GRCh37 (hg19) VCF-style: chr16-23641457-T-C.
Other names: c.1958A>G, p.Glu653Gly (NM_001407296.1); c.2018A>G, p.Glu673Gly (NM_001407297.1, NM_001407298.1, NM_001407299.1 and 3 more transcripts); c.1133A>G, p.Glu378Gly (NM_001407304.1, NM_001407305.1, NM_001407306.1 and 5 more transcripts); c.230A>G, p.Glu77Gly (NM_001407312.1, NM_001407313.1); c.49-861A>G (NM_001407314.1); short protein forms E378G, E653G, E77G, E673G.
Identifiers: ClinVar variation 3885223 (VCV003885223.1).

ClinVar aggregate classification (germline): Uncertain significance (1 of 4 stars; one submission).

Conditions:
Hereditary cancer-predisposing syndrome. Also called: Tumor predisposition; Neoplastic Syndromes, Hereditary; Hereditary Cancer Syndrome; Hereditary neoplastic syndrome. Identifiers: Orphanet 140162, MedGen C0027672, MeSH D009386, MONDO:0015356.

Submission:

Ambry Genetics
Classification: Uncertain significance for Hereditary cancer-predisposing syndrome. Last evaluated: 2025-02-21. Review status: criteria provided, single submitter. Criteria: Ambry Variant Classification Scheme 2023. Collection method: clinical testing. Allele origin: germline.
Comment: The p.E673G variant (also known as c.2018A>G), located in coding exon 5 of the PALB2 gene, results from an A to G substitution at nucleotide position 2018. The glutamic acid at codon 673 is replaced by glycine, an amino acid with similar properties. This amino acid position is conserved. In addition, this alteration is predicted to be tolerated by in silico analysis. Based on the available evidence, the clinical significance of this variant remains unclear.